The following is an entry in ClinVar:

ClinVar aggregate classification (germline): Benign. Review status: criteria provided, multiple submitters, no conflicts (2 of 4 stars). 3 submissions from 3 submitters: Benign (2). 1 of the submissions does not count toward it. Last evaluated 2021-05-18.

Conditions:
Amyloidosis, primary localized cutaneous, 2 (PLCA2). Identifiers: Orphanet 353220, MedGen C3151404, MONDO:0013502, OMIM 613955.
IL31RA-related disorder. Also called: IL31RA-related condition.

Allele frequency attached by ClinVar (database versions not stated): 1000 Genomes Project 0.07907; 1000 Genomes Project 30x 0.07964; TOPMed 0.12088; gnomAD 0.13110 and 0.13291; ExAC 0.13425; gnomAD exomes 0.13544; ESP Exome Variant Server 0.13970.
gnomAD v4.1: 253,532 of 1,613,758 alleles (16%); highest among the groups gnomAD compares: Middle Eastern, 18%; 21,393 homozygotes.

Submissions (3):

Genome-Nilou Lab
Classification: Benign for Amyloidosis, primary localized cutaneous, 2. Last evaluated: 2021-05-18. Review status: criteria provided, single submitter. Criteria: ACMG Guidelines, 2015. Collection method: clinical testing. Allele origin: germline. Affected: no.

Breakthrough Genomics
Classification: Benign. Review status: criteria provided, single submitter. Criteria: ACMG Guidelines, 2015. Collection method: not provided. Allele origin: germline. Inheritance: Autosomal dominant inheritance. Affected: yes.

PreventionGenetics, part of Exact Sciences
Classification: Benign for IL31RA-related condition. Last evaluated: 2019-11-19. Review status: no assertion criteria provided. Collection method: clinical testing. Allele origin: germline. Not counted in ClinVar's aggregate classification.
Comment: This variant is classified as benign based on ACMG/AMP sequence variant interpretation guidelines (Richards et al. 2015 PMID: 25741868, with internal and published modifications).

NM_139017.7(IL31RA):c.1449T>G (p.Gly483=)

Gene: IL31RA (interleukin 31 receptor A; plus strand). Cytogenetic location: 5q11.2.
Variant type: single nucleotide variant.
Coding change: c.1449T>G on transcript NM_139017.7 (MANE Select); coding-DNA position 1449, T replaced by G.
Protein change: p.Gly483=; no amino-acid change (glycine 483 retained).
Molecular consequence: synonymous variant.
Genome position (GRCh38, 1-based): chr5:55,908,359, T>G. VCF-style: chr5-55908359-T-G. GRCh37 (hg19) VCF-style: chr5-55204187-T-G.
Other names: c.1392T>G, p.Gly464= (NM_001242636.2, NM_001242638.2); c.1449T>G, p.Gly483= (NM_001242637.2, NM_001297570.3); c.1023T>G, p.Gly341= (NM_001242639.2); c.1449T>G (NM_139017.5).
Identifiers: ClinVar variation 1098854 (VCV001098854.6), dbSNP rs9632389, ClinGen allele CA3270827.